The following is an entry in ClinVar:

ClinVar aggregate classification (germline): Uncertain significance (1 of 4 stars; one submission).

Submission:

Dasa
Classification: Uncertain significance. Last evaluated: 2025-12-31. Review status: criteria provided, single submitter. Criteria: DASA Assertion Criteria. Collection method: clinical testing. Allele origin: germline.
Comment: NM_001330288.2(SMARCC2):c.1211G>A (p.Gly404Glu) is a missense variant that results in the substitution of glycine with glutamic acid. This variant is rare in population databases. The currently available literature and clinical evidence are not sufficient to establish a definitive association between this variant and the reported condition. Therefore, this variant is classified as a variant of uncertain significance.

NM_001330288.2(SMARCC2):c.1211G>A (p.Gly404Glu)

Gene: SMARCC2 (SWI/SNF related BAF chromatin remodeling complex subunit C2; minus strand). Cytogenetic location: 12q13.2.
Variant type: single nucleotide variant.
Coding change: c.1211G>A on transcript NM_001330288.2 (MANE Select); coding-DNA position 1211, G replaced by A.
Protein change: p.Gly404Glu; replaces glycine 404 with glutamic acid.
Molecular consequence: missense variant.
Genome position (GRCh38, 1-based): chr12:56,178,503, C>T on the plus strand (G>A on the coding strand, the complement: SMARCC2 is on the minus strand). VCF-style: chr12-56178503-C-T. GRCh37 (hg19) VCF-style: chr12-56572287-C-T.
Other names: c.1211G>A, p.Gly404Glu (NM_001130420.3, NM_003075.5, NM_139067.4); short protein forms G404E.
Identifiers: ClinVar variation 5020746 (VCV005020746.1).
Genomic context (GRCh38, chr12:56,178,503, plus strand): 5'-ATGTGGTGGGTCTGTTCAGTCACATTGTCCTCATGCAGGTCTGGATTCTTGGTCTGCTCT[C>T]CCTTGTTCCCCGTACTGTTCTCATCCTCATCCTACGAGTATGGAGGCTGCTGGACACTCA-3'
Protein context (NP_001317217.1, residues 394-414): DEDENSTGNK[Gly404Glu]EQTKNPDLHE